The following is an entry in ClinVar:

ClinVar aggregate classification (germline): Uncertain significance (1 of 4 stars; one submission).

Conditions:
SMG8-related disorder. Also called: SMG8-related condition.

Submission:

PreventionGenetics, part of Exact Sciences
Classification: Uncertain significance for SMG8-related condition. Last evaluated: 2024-12-02. Review status: criteria provided, single submitter. Criteria: ACMG Guidelines, 2015. Collection method: clinical testing. Allele origin: germline.
Comment: The SMG8 c.2779-10T>A variant is predicted to interfere with splicing. This variant is predicted to alter splicing based on available splicing prediction programs (SpliceAI, Jaganathan et al. 2019. PubMed ID: 30661751). However, the use of computer prediction programs is not equivalent to functional evidence. To our knowledge, this variant has not been reported in the literature or in a large population database (gnomAD), indicating this variant is rare. At this time, the clinical significance of this variant is uncertain due to the absence of conclusive functional and genetic evidence.

NM_018149.7(SMG8):c.2779-10T>A

Gene: SMG8 (SMG8 nonsense mediated mRNA decay factor; plus strand). Cytogenetic location: 17q22.
Variant type: single nucleotide variant.
Coding change: c.2779-10T>A on transcript NM_018149.7 (MANE Select); 10 bases into the intron before coding-DNA position 2779, T replaced by A.
Molecular consequence: intron variant.
Genome position (GRCh38, 1-based): chr17:59,214,795, T>A. VCF-style: chr17-59214795-T-A. GRCh37 (hg19) VCF-style: chr17-57292156-T-A.
Identifiers: ClinVar variation 2632723 (VCV002632723.2), dbSNP rs2546575083, ClinGen allele CA2695200302.
Genomic context (GRCh38, chr17:59,214,795, plus strand): 5'-TTAGGCATTTATCTTTCAGTTGTTTCATATTGAGAAATGTGAAAATAATTATACTACCTG[T>A]GTTTTTCAGGTTCAGCCAGGCCCACCACCATGTCCGGTATTCTACCCAGAAAAACAAGAA-3'